The following is an entry in ClinVar:

NM_004859.4(CLTC):c.3995T>C (p.Met1332Thr)

Genes: CLTC (clathrin heavy chain; plus strand), LOC126862609 (CDK7 strongly-dependent group 2 enhancer GRCh37_chr17:57760547-57761746; plus strand). Cytogenetic location: 17q23.1.
Variant type: single nucleotide variant.
Coding change: c.3995T>C on transcript NM_004859.4 (MANE Select); coding-DNA position 3995, T replaced by C.
Protein change: p.Met1332Thr; replaces methionine 1332 with threonine.
Molecular consequence: missense variant.
Genome position (GRCh38, 1-based): chr17:59,683,216, T>C. VCF-style: chr17-59683216-T-C. GRCh37 (hg19) VCF-style: chr17-57760577-T-C.
Other names: c.4007T>C, p.Met1336Thr (NM_001288653.2); short protein forms M1332T, M1336T.
Identifiers: ClinVar variation 4689965 (VCV004689965.1).

ClinVar aggregate classification (germline): Uncertain significance (1 of 4 stars; one submission).

Submission:

GeneDx
Classification: Uncertain significance. Last evaluated: 2025-07-31. Review status: criteria provided, single submitter. Criteria: GeneDx Variant Classification Process June 2021. Collection method: clinical testing. Allele origin: germline. Affected: yes.
Comment: Not observed at significant frequency in large population cohorts (gnomAD); In silico analysis supports that this missense variant has a deleterious effect on protein structure/function; Has not been previously published as pathogenic or benign to our knowledge